The following is an entry in ClinVar:

ClinVar aggregate classification (germline): Conflicting classifications of pathogenicity. Review status: criteria provided, conflicting classifications (1 of 4 stars). 2 submissions from 2 submitters: Uncertain significance (1); Likely benign (1). Last evaluated 2024-09-05.

Conditions:
Axenfeld-Rieger syndrome type 3 (RIEG3). Also called: AXENFELD-RIEGER ANOMALY WITH CARDIAC DEFECTS AND/OR SENSORINEURAL HEARING LOSS. Identifiers: Orphanet 782, MedGen C2678503, MONDO:0011233, OMIM 602482.

gnomAD v4.1: 2 of 1,426,516 alleles (0.00014%); highest among the groups gnomAD compares: African/African-American, 0.0015%; no homozygotes.

Submissions (2):

Labcorp Genetics (formerly Invitae), Labcorp
Classification: Uncertain significance for Axenfeld-Rieger syndrome type 3. Last evaluated: 2024-09-05. Review status: criteria provided, single submitter. Criteria: Invitae Variant Classification Sherloc (09022015). Collection method: clinical testing. Allele origin: germline.
Comment: This sequence change affects codon 228 of the FOXC1 mRNA. It is a 'silent' change, meaning that it does not change the encoded amino acid sequence of the FOXC1 protein. The frequency data for this variant in the population databases is considered unreliable, as metrics indicate poor data quality at this position in the gnomAD database. This variant has not been reported in the literature in individuals affected with FOXC1-related conditions. In summary, the available evidence is currently insufficient to determine the role of this variant in disease. Therefore, it has been classified as a Variant of Uncertain Significance.

Blueprint Genetics
Classification: Likely benign. Last evaluated: 2022-09-19. Review status: criteria provided, single submitter. Criteria: ACMG Guidelines, 2015. Collection method: clinical testing. Allele origin: germline.

NM_001453.3(FOXC1):c.684C>G (p.Thr228=)

Gene: FOXC1 (forkhead box C1; plus strand). Cytogenetic location: 6p25.3.
Variant type: single nucleotide variant.
Coding change: c.684C>G on transcript NM_001453.3 (MANE Select); coding-DNA position 684, C replaced by G.
Protein change: p.Thr228=; no amino-acid change (threonine 228 retained).
Molecular consequence: synonymous variant.
Genome position (GRCh38, 1-based): chr6:1,611,129, C>G. VCF-style: chr6-1611129-C-G. GRCh37 (hg19) VCF-style: chr6-1611364-C-G.
Identifiers: ClinVar variation 3712332 (VCV003712332.3).